The following is an entry in ClinVar:

NM_001145308.5(LRTOMT):c.736C>A (p.Leu246Ile)

Genes: ANAPC15 (anaphase promoting complex subunit 15; minus strand), LRTOMT (leucine rich transmembrane and O-methyltransferase domain containing; plus strand), TOMT (transmembrane O-methyltransferase; plus strand). Cytogenetic location: 11q13.4.
Variant type: single nucleotide variant.
Coding change: c.736C>A on transcript NM_001145308.5; coding-DNA position 736, C replaced by A.
Protein change: p.Leu246Ile; replaces leucine 246 with isoleucine.
Molecular consequence: missense variant. On other transcripts: 3 prime UTR variant (3), non-coding transcript variant (1), intron variant (7).
Genome position (GRCh38, 1-based): chr11:72,108,785, C>A. VCF-style: chr11-72108785-C-A. GRCh37 (hg19) VCF-style: chr11-71819831-C-A.
Other names: c.637C>A, p.Leu213Ile (NM_001393500.2); c.736C>A, p.Leu246Ile (NM_001145309.4); c.616C>A, p.Leu206Ile (NM_001145310.4); c.*34G>T (NM_001393443.1, NM_001393444.1, NM_001393445.1); c.64-1180G>T (NM_001393459.1); c.319-1180G>T (NM_001393430.1, NM_001393429.1, NM_001393428.1 and 3 more transcripts); short protein forms L206I, L213I, L246I.
Identifiers: ClinVar variation 1346332 (VCV001346332.7), dbSNP rs1214973558, ClinGen allele CA381726790.

ClinVar aggregate classification (germline): Uncertain significance (1 of 4 stars; one submission).

gnomAD v4.1: 1 of 1,550,494 alleles (0.000064%); highest among the groups gnomAD compares: Non-Finnish European, 0.000087%; no homozygotes.

Submission:

Labcorp Genetics (formerly Invitae), Labcorp
Classification: Uncertain significance. Last evaluated: 2022-09-13. Review status: criteria provided, single submitter. Criteria: Invitae Variant Classification Sherloc (09022015). Collection method: clinical testing. Allele origin: germline.
Comment: Advanced modeling of protein sequence and biophysical properties (such as structural, functional, and spatial information, amino acid conservation, physicochemical variation, residue mobility, and thermodynamic stability) performed at Invitae indicates that this missense variant is not expected to disrupt LRTOMT protein function. This sequence change replaces leucine, which is neutral and non-polar, with isoleucine, which is neutral and non-polar, at codon 246 of the LRTOMT protein (p.Leu246Ile). This variant is not present in population databases (gnomAD no frequency). This variant has not been reported in the literature in individuals affected with LRTOMT-related conditions. ClinVar contains an entry for this variant (Variation ID: 1346332). In summary, the available evidence is currently insufficient to determine the role of this variant in disease. Therefore, it has been classified as a Variant of Uncertain Significance.